The following is an entry in ClinVar:

NM_021076.4(NEFH):c.1432G>A (p.Ala478Thr)

Gene: NEFH (neurofilament heavy chain; plus strand). Cytogenetic location: 22q12.2.
Variant type: single nucleotide variant.
Coding change: c.1432G>A on transcript NM_021076.4 (MANE Select); coding-DNA position 1432, G replaced by A.
Protein change: p.Ala478Thr; replaces alanine 478 with threonine.
Molecular consequence: missense variant.
Genome position (GRCh38, 1-based): chr22:29,489,072, G>A. VCF-style: chr22-29489072-G-A. GRCh37 (hg19) VCF-style: chr22-29885061-G-A.
Other names: p.Ala478Thr; short protein forms A478T.
Identifiers: ClinVar variation 4542439 (VCV004542439.1).

ClinVar aggregate classification (germline): Uncertain significance (1 of 4 stars; one submission).

gnomAD v4.1: 3 of 1,613,740 alleles (0.00019%); highest among the groups gnomAD compares: Non-Finnish European, 0.00017%; no homozygotes.

Submission:

Mayo Clinic Laboratories, Mayo Clinic
Classification: Uncertain significance. Last evaluated: 2025-10-22. Review status: criteria provided, single submitter. Criteria: ACMG Guidelines, 2015. Collection method: clinical testing. Allele origin: germline. Observed: 1 variant allele.
Comment: BP4